The following is an entry in ClinVar:

ClinVar aggregate classification (germline): Uncertain significance (1 of 4 stars; one submission).

Conditions:
PLXNA1-related disorder. Also called: PLXNA1-related condition.

gnomAD v4.1: 9 of 1,604,774 alleles (0.00056%); highest among the groups gnomAD compares: Admixed American, 0.0033%; no homozygotes.

Submission:

PreventionGenetics, part of Exact Sciences
Classification: Uncertain significance for PLXNA1-related condition. Last evaluated: 2025-06-02. Review status: criteria provided, single submitter. Criteria: ACMG Guidelines, 2015. Collection method: clinical testing. Allele origin: germline.
Comment: The PLXNA1 c.1998-5T>G variant is predicted to interfere with splicing. To our knowledge, this variant has not been reported in the literature. This variant is reported in 0.0029% of alleles in individuals of Latino descent in gnomAD. At this time, the clinical significance of this variant is uncertain due to the absence of conclusive functional and genetic evidence.

NM_032242.4(PLXNA1):c.1998-5T>G

Gene: PLXNA1 (plexin A1; plus strand). Cytogenetic location: 3q21.3.
Variant type: single nucleotide variant.
Coding change: c.1998-5T>G on transcript NM_032242.4 (MANE Select); 5 bases into the intron before coding-DNA position 1998, T replaced by G.
Molecular consequence: intron variant.
Genome position (GRCh38, 1-based): chr3:127,007,794, T>G. VCF-style: chr3-127007794-T-G. GRCh37 (hg19) VCF-style: chr3-126726637-T-G.
Identifiers: ClinVar variation 4984101 (VCV004984101.1).